The following is an entry in ClinVar:

NM_002317.7(LOX):c.670G>C (p.Ala224Pro)

Genes: LOX (lysyl oxidase; minus strand), SRFBP1 (serum response factor binding protein 1; plus strand). Cytogenetic location: 5q23.1.
Variant type: single nucleotide variant.
Coding change: c.670G>C on transcript NM_002317.7 (MANE Select); coding-DNA position 670, G replaced by C.
Protein change: p.Ala224Pro; replaces alanine 224 with proline.
Molecular consequence: missense variant. On other transcripts: 5 prime UTR variant (1), intron variant (1).
Genome position (GRCh38, 1-based): chr5:122,076,963, C>G on the plus strand (G>C on the coding strand, the complement: LOX is on the minus strand). VCF-style: chr5-122076963-C-G. GRCh37 (hg19) VCF-style: chr5-121412658-C-G.
Other names: c.-21G>C (NM_001178102.2); c.-152+129G>C (NM_001317073.1); short protein forms A224P.
Identifiers: ClinVar variation 3027068 (VCV003027068.23), dbSNP rs1282574280, ClinGen allele CA360875127.
Genomic context (GRCh38, chr5:122,076,963, plus strand): 5'-AGTTTTCCTCCGCCGCGCATCTCAGGTTGTACATGGACATCTTCTGCACGTACGTGGACG[C>G]CTGGATGTAGTAGGGGTCGGCCACCAGGTCTGGGAGACCTAAACGTCAGCAGGCGACGGG-3'
Protein context (NP_002308.2, residues 214-234): DLVADPYYIQ[Ala224Pro]STYVQKMSMY

ClinVar aggregate classification (germline): Uncertain significance. Review status: criteria provided, multiple submitters, no conflicts (2 of 4 stars). 2 submissions from 2 submitters: Uncertain significance (2). Last evaluated 2025-04-23.

Allele frequency attached by ClinVar (database versions not stated): TOPMed 0.00001.

Submissions (2):

Labcorp Genetics (formerly Invitae), Labcorp
Classification: Uncertain significance. Last evaluated: 2025-04-23. Review status: criteria provided, single submitter. Criteria: Invitae Variant Classification Sherloc (09022015). Collection method: clinical testing. Allele origin: germline.
Comment: This sequence change replaces alanine, which is neutral and non-polar, with proline, which is neutral and non-polar, at codon 224 of the LOX protein (p.Ala224Pro). This variant is not present in population databases (gnomAD no frequency). This variant has not been reported in the literature in individuals affected with LOX-related conditions. ClinVar contains an entry for this variant (Variation ID: 3027068). Invitae Evidence Modeling of protein sequence and biophysical properties (such as structural, functional, and spatial information, amino acid conservation, physicochemical variation, residue mobility, and thermodynamic stability) has been performed for this missense variant. However, the output from this modeling did not meet the statistical confidence thresholds required to predict the impact of this variant on LOX protein function. In summary, the available evidence is currently insufficient to determine the role of this variant in disease. Therefore, it has been classified as a Variant of Uncertain Significance.

CeGaT Center for Human Genetics Tuebingen
Classification: Uncertain significance. Last evaluated: 2024-02-01. Review status: criteria provided, single submitter. Criteria: CeGaT Center For Human Genetics Tuebingen Variant Classification Criteria Version 2. Collection method: clinical testing. Allele origin: germline. Affected: yes. Observed: 1 variant allele.
Comment: LOX: PM2